The following is an entry in ClinVar:

ClinVar aggregate classification (germline): Likely benign (1 of 4 stars; one submission).

Conditions:
LMF1-related disorder. Also called: LMF1-related condition.

Submission:

PreventionGenetics, part of Exact Sciences
Classification: Likely benign for LMF1-related condition. Last evaluated: 2025-08-27. Review status: criteria provided, single submitter. Criteria: ACMG Guidelines, 2015. Collection method: clinical testing. Allele origin: germline.
Comment: This variant is classified as likely benign based on ACMG/AMP sequence variant interpretation guidelines (Richards et al. 2015 PMID: 25741868, with internal and published modifications).

NM_022773.4(LMF1):c.*3G>A

Gene: LMF1 (lipase maturation factor 1; minus strand). Cytogenetic location: 16p13.3.
Variant type: single nucleotide variant.
Coding change: c.*3G>A on transcript NM_022773.4 (MANE Select); 3 bases downstream of the stop codon, G replaced by A.
Molecular consequence: 3 prime UTR variant. On other transcripts: missense variant (1), non-coding transcript variant (1).
Genome position (GRCh38, 1-based): chr16:854,529, C>T on the plus strand (G>A on the coding strand, the complement: LMF1 is on the minus strand). VCF-style: chr16-854529-C-T. GRCh37 (hg19) VCF-style: chr16-904529-C-T.
Other names: c.*3G>A (NM_001352017.2, NM_001352018.2, NM_001352019.2 and 1 more transcripts); c.1627G>A, p.Val543Met (NM_001352020.1); short protein forms V543M.
Identifiers: ClinVar variation 4978549 (VCV004978549.1).